The following is an entry in ClinVar:

ClinVar aggregate classification (germline): Likely pathogenic (1 of 4 stars; one submission).

Submission:

Labcorp Genetics (formerly Invitae), Labcorp
Classification: Likely pathogenic. Last evaluated: 2022-11-01. Review status: criteria provided, single submitter. Criteria: Invitae Variant Classification Sherloc (09022015). Collection method: clinical testing. Allele origin: germline.
Comment: Disruption of this splice site has been observed in individual(s) with ABCA1-related conditions (PMID: 20800056). This variant is not present in population databases (gnomAD no frequency). This sequence change affects a donor splice site in intron 4 of the ABCA1 gene. It is expected to disrupt RNA splicing. Variants that disrupt the donor or acceptor splice site typically lead to a loss of protein function (PMID: 16199547), and loss-of-function variants in ABCA1 are known to be pathogenic (PMID: 10525055, 10760292, 20880529). Algorithms developed to predict the effect of sequence changes on RNA splicing suggest that this variant may disrupt the consensus splice site. In summary, the currently available evidence indicates that the variant is pathogenic, but additional data are needed to prove that conclusively. Therefore, this variant has been classified as Likely Pathogenic.

Literature cited by the submitters: PubMed 20800056; PubMed 16199547; PubMed 10525055; PubMed 10760292; PubMed 20880529.

NM_005502.4(ABCA1):c.302+1G>A

Gene: ABCA1 (ATP binding cassette subfamily A member 1; minus strand). Cytogenetic location: 9q31.1.
Variant type: single nucleotide variant.
Coding change: c.302+1G>A on transcript NM_005502.4 (MANE Select); the canonical splice donor site of the intron after coding-DNA position 302, G replaced by A.
Molecular consequence: splice donor variant.
Genome position (GRCh38, 1-based): chr9:104,884,426, C>T on the plus strand (G>A on the coding strand, the complement: ABCA1 is on the minus strand). VCF-style: chr9-104884426-C-T. GRCh37 (hg19) VCF-style: chr9-107646707-C-T.
Identifiers: ClinVar variation 2136803 (VCV002136803.4), dbSNP rs1838970198, ClinGen allele CA374316135.